The following is an entry in ClinVar:

NM_001379500.1(COL18A1):c.2477C>T (p.Pro826Leu)

Gene: COL18A1 (collagen type XVIII alpha 1 chain; plus strand). Cytogenetic location: 21q22.3.
Variant type: single nucleotide variant.
Coding change: c.2477C>T on transcript NM_001379500.1 (MANE Select); coding-DNA position 2477, C replaced by T.
Protein change: p.Pro826Leu; replaces proline 826 with leucine.
Molecular consequence: missense variant.
Genome position (GRCh38, 1-based): chr21:45,495,401, C>T. VCF-style: chr21-45495401-C-T. GRCh37 (hg19) VCF-style: chr21-46915315-C-T.
Other names: c.3017C>T, p.Pro1006Leu (NM_030582.4); c.3722C>T, p.Pro1241Leu (NM_130444.3); short protein forms P826L, P1241L, P1006L.
Identifiers: ClinVar variation 1379780 (VCV001379780.3), dbSNP rs375575507, ClinGen allele CA10067114.

ClinVar aggregate classification (germline): Uncertain significance (1 of 4 stars; one submission).

Allele frequency attached by ClinVar (database versions not stated): gnomAD 0.00001 and 0.00003; gnomAD exomes 0.00001; TOPMed 0.00002; ExAC 0.00004; ESP Exome Variant Server 0.00008.
gnomAD v4.1: 24 of 1,611,442 alleles (0.0015%); highest among the groups gnomAD compares: South Asian, 0.0077%; no homozygotes.

Submission:

Labcorp Genetics (formerly Invitae), Labcorp
Classification: Uncertain significance. Last evaluated: 2021-07-08. Review status: criteria provided, single submitter. Criteria: Invitae Variant Classification Sherloc (09022015). Collection method: clinical testing. Allele origin: germline.
Comment: This sequence change replaces proline with leucine at codon 826 of the COL18A1 protein (p.Pro826Leu). The proline residue is moderately conserved and there is a moderate physicochemical difference between proline and leucine. This variant is present in population databases (rs375575507, ExAC 0.008%). This variant has not been reported in the literature in individuals with COL18A1-related conditions. Experimental studies and prediction algorithms are not available or were not evaluated, and the functional significance of this variant is currently unknown. In summary, the available evidence is currently insufficient to determine the role of this variant in disease. Therefore, it has been classified as a Variant of Uncertain Significance.